The following is an entry in ClinVar:

ClinVar aggregate classification (germline): Uncertain significance. Review status: criteria provided, multiple submitters, no conflicts (2 of 4 stars). 2 submissions from 2 submitters: Uncertain significance (2). Last evaluated 2023-06-27.

Allele frequency attached by ClinVar (database versions not stated): gnomAD 0.00004.
gnomAD v4.1: 42 of 1,611,654 alleles (0.0026%); highest among the groups gnomAD compares: Non-Finnish European, 0.0029%; no homozygotes.

Submissions (2):

Labcorp Genetics (formerly Invitae), Labcorp
Classification: Uncertain significance. Last evaluated: 2023-06-27. Review status: criteria provided, single submitter. Criteria: Invitae Variant Classification Sherloc (09022015). Collection method: clinical testing. Allele origin: germline.
Comment: In summary, the available evidence is currently insufficient to determine the role of this variant in disease. Therefore, it has been classified as a Variant of Uncertain Significance. Algorithms developed to predict the effect of missense changes on protein structure and function output the following: SIFT: "Not Available"; PolyPhen-2: "Benign"; Align-GVGD: "Not Available". The leucine amino acid residue is found in multiple mammalian species, which suggests that this missense change does not adversely affect protein function. ClinVar contains an entry for this variant (Variation ID: 2428931). This variant has not been reported in the literature in individuals affected with ATPAF2-related conditions. This variant is present in population databases (rs772715284, gnomAD 0.008%). This sequence change replaces methionine, which is neutral and non-polar, with leucine, which is neutral and non-polar, at codon 27 of the ATPAF2 protein (p.Met27Leu).

GeneDx
Classification: Uncertain significance. Last evaluated: 2022-08-03. Review status: criteria provided, single submitter. Criteria: GeneDx Variant Classification Process June 2021. Collection method: clinical testing. Allele origin: germline. Affected: yes.
Comment: Not observed at significant frequency in large population cohorts (gnomAD); In silico analysis supports that this missense variant does not alter protein structure/function; Has not been previously published as pathogenic or benign to our knowledge

NM_145691.4(ATPAF2):c.79A>T (p.Met27Leu)

Genes: ATPAF2 (ATP synthase mitochondrial F1 complex assembly factor 2; minus strand), LOC130060410 (ATAC-STARR-seq lymphoblastoid active region 11821; plus strand). Cytogenetic location: 17p11.2.
Variant type: single nucleotide variant.
Coding change: c.79A>T on transcript NM_145691.4 (MANE Select); coding-DNA position 79, A replaced by T.
Protein change: p.Met27Leu; replaces methionine 27 with leucine.
Molecular consequence: missense variant.
Genome position (GRCh38, 1-based): chr17:18,038,935, T>A on the plus strand (A>T on the coding strand, the complement: ATPAF2 is on the minus strand). VCF-style: chr17-18038935-T-A. GRCh37 (hg19) VCF-style: chr17-17942249-T-A.
Other names: short protein forms M27L.
Identifiers: ClinVar variation 2428931 (VCV002428931.7), dbSNP rs772715284, ClinGen allele CA8422023.